The following is an entry in ClinVar:

NM_001083961.2(WDR62):c.2086del (p.Ser696fs)

Gene: WDR62 (WD repeat domain 62; plus strand). Cytogenetic location: 19q13.12.
Variant type: Deletion.
Coding change: c.2086del on transcript NM_001083961.2 (MANE Select); coding-DNA position 2086, one base deleted (A; older notation c.2086delA).
Protein change: p.Ser696fs; shifts the reading frame from serine 696.
Molecular consequence: frameshift variant.
Genome position (GRCh38, 1-based): chr19:36,091,251, A deleted; the last of 4 consecutive A bases (chr19:36,091,248-36,091,251); deleting any one gives the same sequence. VCF-style (leftmost placement, unchanged base first): chr19-36091247-CA-C. GRCh37 (hg19) VCF-style: chr19-36582149-CA-C.
Other names: c.2086del, p.Ser696fs (NM_173636.5); short protein forms S696fs.
Identifiers: ClinVar variation 31041 (VCV000031041.11), dbSNP rs863223322, ClinGen allele CA278907.
Genomic context (GRCh38, chr19:36,091,247, plus strand): 5'-CCTTTCCTGGCAGGTCCATGTGGACCCCTCAGGCACCTTCCTGGCCACCAGCTGCTCTGA[CA>C]AAAGCATCTCAGTGATTGACTTTTACTCGGGCGAGTGCATTGCCAAGATGTTTGGCCATT-3'

ClinVar aggregate classification (germline): Pathogenic. Review status: criteria provided, multiple submitters, no conflicts (2 of 4 stars). 4 submissions from 4 submitters: Pathogenic (3). 1 of the submissions does not count toward it. Last evaluated 2026-05-01.

Conditions:
Microcephaly 2, primary, autosomal recessive, with or without cortical malformations. Also called: WDR62 Primary Microcephaly; MICROCEPHALY 2, PRIMARY, AUTOSOMAL RECESSIVE, WITH CORTICAL MALFORMATIONS. Identifiers: Orphanet 2512, MedGen C1858535, MONDO:0011435, OMIM 604317.

Submissions (4):

CeGaT Center for Human Genetics Tuebingen
Classification: Pathogenic. Last evaluated: 2026-05-01. Review status: criteria provided, single submitter. Criteria: CeGaT Center For Human Genetics Tuebingen Variant Classification Criteria Version 2. Collection method: clinical testing. Allele origin: germline. Affected: yes. Observed: 2 variant alleles.
Comment: WDR62: PVS1, PM2, PM3:Supporting

Institute of Human Genetics, University of Leipzig Medical Center
Classification: Pathogenic for Microcephaly 2, primary, autosomal recessive, with or without cortical malformations. Last evaluated: 2023-12-17. Review status: criteria provided, single submitter. Criteria: ACMG Guidelines, 2015. Collection method: clinical testing. Allele origin: maternal. Inheritance: Autosomal recessive inheritance. Affected: yes.
Comment: Criteria applied: PVS1,PM3_STR,PM2

GeneDx
Classification: Pathogenic. Last evaluated: 2020-02-19. Review status: criteria provided, single submitter. Criteria: GeneDx Variant Classification Process June 2021. Collection method: clinical testing. Allele origin: germline. Affected: yes.
Comment: Frameshift variant predicted to result in protein truncation or nonsense mediated decay in a gene for which loss-of-function is a known mechanism of disease; Not observed at a significant frequency in large population cohorts (Lek et al., 2016); This variant is associated with the following publications: (PMID: 21834044)

OMIM
Classification: Pathogenic for MICROCEPHALY 2, PRIMARY, AUTOSOMAL RECESSIVE, WITH CORTICAL MALFORMATIONS. Last evaluated: 2011-09-01. Review status: no assertion criteria provided. Collection method: literature only. Allele origin: germline. Not counted in ClinVar's aggregate classification.

Literature cited by the submitters: PubMed 21834044 (cited by OMIM).